The following is an entry in ClinVar:

ClinVar aggregate classification (germline): Pathogenic (1 of 4 stars; one submission).

Submission:

Labcorp Genetics (formerly Invitae), Labcorp
Classification: Pathogenic. Last evaluated: 2021-11-15. Review status: criteria provided, single submitter. Criteria: Invitae Variant Classification Sherloc (09022015). Collection method: clinical testing. Allele origin: germline.
Comment: For these reasons, this variant has been classified as Pathogenic. This variant has not been reported in the literature in individuals affected with F11-related conditions. This variant is a gross deletion of the genomic region encompassing exon(s) 1-2 of the F11 gene, which includes the initiator codon. This deletion extends beyond the assayed region for this gene and therefore may encompass additional genes. It is expected to result in an absent or disrupted protein product. Loss-of-function variants in F11 are known to be pathogenic (PMID: 23929304).

Literature cited by the submitters: PubMed 23929304.

NC_000004.11:g.(?_187186995)_(187188355_?)del

Gene: F11 (coagulation factor XI; plus strand). Cytogenetic location: 4q35.2.
Variant type: Deletion.
Identifiers: ClinVar variation 2422397 (VCV002422397.4).